The following is an entry in ClinVar:

NM_000903.3(NQO1):c.173G>T (p.Gly58Val)

Gene: NQO1 (NAD(P)H quinone dehydrogenase 1; minus strand). Cytogenetic location: 16q22.1.
Variant type: single nucleotide variant.
Coding change: c.173G>T on transcript NM_000903.3 (MANE Select); coding-DNA position 173, G replaced by T.
Protein change: p.Gly58Val; replaces glycine 58 with valine.
Molecular consequence: missense variant.
Genome position (GRCh38, 1-based): chr16:69,718,253, C>A on the plus strand (G>T on the coding strand, the complement: NQO1 is on the minus strand). VCF-style: chr16-69718253-C-A. GRCh37 (hg19) VCF-style: chr16-69752156-C-A.
Other names: c.173G>T, p.Gly58Val (NM_001025433.2, NM_001025434.2, NM_001286137.2); short protein forms G58V.
Identifiers: ClinVar variation 1779175 (VCV001779175.2), dbSNP rs2544332653, ClinGen allele CA396490276.

ClinVar aggregate classification (germline): Uncertain significance (1 of 4 stars; one submission).

Submission:

Ambry Genetics
Classification: Uncertain significance. Last evaluated: 2021-07-29. Review status: criteria provided, single submitter. Criteria: Ambry Variant Classification Scheme 2023. Collection method: clinical testing. Allele origin: germline.
Comment: The p.G58V variant (also known as c.173G>T) is located in coding exon 3 of the NQO1 gene. The glycine at codon 58 is replaced by valine, an amino acid with dissimilar properties. This change occurs in the first base pair of coding exon 3. This amino acid position is conserved. In addition, the in silico prediction for this alteration is inconclusive. Since supporting evidence is limited at this time, the clinical significance of this alteration remains unclear.